The following is an entry in ClinVar:

NM_001174089.2(SLC4A11):c.2281C>T (p.Gln761Ter)

Gene: SLC4A11 (solute carrier family 4 member 11; minus strand). Cytogenetic location: 20p13.
Variant type: single nucleotide variant.
Coding change: c.2281C>T on transcript NM_001174089.2 (MANE Select); coding-DNA position 2281, C replaced by T.
Protein change: p.Gln761Ter; replaces glutamine 761 with a stop codon.
Molecular consequence: nonsense. On other transcripts: non-coding transcript variant (3).
Genome position (GRCh38, 1-based): chr20:3,228,619, G>A on the plus strand (C>T on the coding strand, the complement: SLC4A11 is on the minus strand). VCF-style: chr20-3228619-G-A. GRCh37 (hg19) VCF-style: chr20-3209265-G-A.
Other names: c.2410C>T, p.Gln804Ter (NM_001174090.2); c.2167C>T, p.Gln723Ter (NM_001363745.2); c.2224C>T, p.Gln742Ter (NM_001400277.1, NM_001400278.1, NM_001400279.1); c.2296C>T, p.Gln766Ter (NM_001400280.1); c.2329C>T, p.Gln777Ter (NM_032034.4); short protein forms Q723*, Q742*, Q761*, Q766*, Q777*, Q804*.
Identifiers: ClinVar variation 4816312 (VCV004816312.1).
Genomic context (GRCh38, chr20:3,228,619, plus strand): 5'-CGAGGGAGGTGAGCGCGATGTAGAGGAAGAGGCCATAGAGCACGGGCTTGGGGATCCACT[G>A]AAGCGGGACCGGCAGCAGCAACAGGGACAGGCCCACCAGGACGCTGGCGCCCAGCGAGGT-3'

ClinVar aggregate classification (germline): Likely pathogenic (1 of 4 stars; one submission).

Conditions:
Corneal dystrophy-perceptive deafness syndrome (CDPD). Also called: CORNEAL DYSTROPHY AND SENSORINEURAL DEAFNESS; HARBOYAN SYNDROME. Identifiers: Orphanet 1490, MedGen C1857572, MONDO:0009015, OMIM 217400.

Submission:

Natera, Inc.
Classification: Likely pathogenic for Corneal dystrophy-perceptive deafness syndrome. Last evaluated: 2024-11-26. Review status: criteria provided, single submitter. Criteria: Natera Variant Classification Schema (03/2026). Collection method: clinical testing. Allele origin: germline.
Comment: The c.2329C>T variant in SLC4A11 is a nonsense variant predicted to introduce a stop codon at amino acid 777. This variant is expected to result in nonsense mediated decay, truncation, or a dysfunctional protein product. This variant is rare in the general population with a frequency below the threshold expected for the associated phenotype(s). Given the available evidence, this variant is classified as Likely Pathogenic.